The following is an entry in ClinVar:

ClinVar aggregate classification (germline): Benign/Likely benign. Review status: criteria provided, multiple submitters, no conflicts (2 of 4 stars). 5 submissions from 5 submitters: Benign (1); Likely benign (4). Last evaluated 2026-01-26.

Conditions:
Multiple epiphyseal dysplasia type 5 (EDM5). Also called: MATN3-Related Multiple Epiphyseal Dysplasia; Microepiphyseal dysplasia, bilateral hereditary. Identifiers: Orphanet 93311, MedGen C1846843, MONDO:0011765, OMIM 607078.

Allele frequency attached by ClinVar (database versions not stated): 1000 Genomes Project 0.00060; gnomAD exomes 0.00092 and 0.00174; TOPMed 0.00093; ExAC 0.00102; gnomAD 0.00106 and 0.00111; 1000 Genomes Project 30x 0.00109; ESP Exome Variant Server 0.00155.
gnomAD v4.1: 2,637 of 1,605,644 alleles (0.16%); highest among the groups gnomAD compares: Non-Finnish European, 0.21%; 8 homozygotes.

Submissions (5):

Labcorp Genetics (formerly Invitae), Labcorp
Classification: Benign. Last evaluated: 2026-01-26. Review status: criteria provided, single submitter. Criteria: Invitae Variant Classification Sherloc (09022015). Collection method: clinical testing. Allele origin: germline.

Blueprint Genetics
Classification: Likely benign. Last evaluated: 2024-11-20. Review status: criteria provided, single submitter. Criteria: ACMG Guidelines, 2015. Collection method: clinical testing. Allele origin: germline.

CeGaT Center for Human Genetics Tuebingen
Classification: Likely benign. Last evaluated: 2021-03-01. Review status: criteria provided, single submitter. Criteria: CeGaT Center For Human Genetics Tuebingen Variant Classification Criteria Version 2. Collection method: clinical testing. Allele origin: germline. Affected: yes. Observed: 1 variant allele.

Illumina Laboratory Services, Illumina
Classification: Likely benign for Multiple epiphyseal dysplasia type 5. Last evaluated: 2018-01-12. Review status: criteria provided, single submitter. Criteria: ICSL Variant Classification Criteria 13 December 2019. Collection method: clinical testing. Allele origin: germline.
Comment: This variant was observed in the ICSL laboratory as part of a predisposition screen in an ostensibly healthy population. It had not been previously curated by ICSL or reported in the Human Gene Mutation Database (HGMD: prior to June 1st, 2018), and was therefore a candidate for classification through an automated scoring system. Utilizing variant allele frequency, disease prevalence and penetrance estimates, and inheritance mode, an automated score was calculated to assess if this variant is too frequent to cause the disease. Based on the score and internal cut-off values, a variant classified as likely benign is not then subjected to further curation. The score for this variant resulted in a classification of likely benign for this disease.

Eurofins Ntd Llc (ga)
Classification: Likely benign. Last evaluated: 2015-10-14. Review status: criteria provided, single submitter. Criteria: EGL Classification Definitions 2015. Collection method: clinical testing. Allele origin: germline. Observed: 1 variant allele, 1 heterozygote.

NM_002381.5(MATN3):c.1171C>T (p.Arg391Cys)

Genes: WDR35-DT (WDR35 divergent transcript; plus strand), MATN3 (matrilin 3; minus strand). Cytogenetic location: 2p24.1.
Variant type: single nucleotide variant.
Coding change: c.1171C>T on transcript NM_002381.5 (MANE Select); coding-DNA position 1171, C replaced by T.
Protein change: p.Arg391Cys; replaces arginine 391 with cysteine.
Molecular consequence: missense variant.
Genome position (GRCh38, 1-based): chr2:19,997,257, G>A on the plus strand (C>T on the coding strand, the complement: MATN3 is on the minus strand). VCF-style: chr2-19997257-G-A. GRCh37 (hg19) VCF-style: chr2-20197018-G-A.
Other names: short protein forms R391C.
Identifiers: ClinVar variation 283828 (VCV000283828.51), dbSNP rs146599945, ClinGen allele CA1543775.
Genomic context (GRCh38, chr2:19,997,257, plus strand): 5'-CGGCCCCATCACTCACACAAATGTGCTGGCAACCATGAGAGCCTAGGGCACACTTGTCAC[G>A]GACTGACCGCACGTGGTGCAGGAAAGAAAATATTCACACATTAAATAGAAAAGTAAACAC-3'
Protein context (NP_002372.1, residues 381-401): LNADKKTCSV[Arg391Cys]DKCALGSHGC